The following is an entry in ClinVar:

ClinVar aggregate classification (germline): Uncertain significance (1 of 4 stars; one submission).

Conditions:
Neuronal ceroid lipofuscinosis. Also called: Neuronal Ceroid Lipofuscinoses. Identifiers: Orphanet 216, Orphanet 79263, MedGen C0027877, MONDO:0016295. Disease mechanism: loss of function.

Allele frequency attached by ClinVar (database versions not stated): gnomAD exomes below 0.00001; ExAC 0.00002.
gnomAD v4.1: 6 of 1,611,998 alleles (0.00037%); highest among the groups gnomAD compares: South Asian, 0.0044%; 1 homozygote.

Submission:

Labcorp Genetics (formerly Invitae), Labcorp
Classification: Uncertain significance for Neuronal ceroid lipofuscinosis. Last evaluated: 2021-04-25. Review status: criteria provided, single submitter. Criteria: Invitae Variant Classification Sherloc (09022015). Collection method: clinical testing. Allele origin: germline.
Comment: In summary, the available evidence is currently insufficient to determine the role of this variant in disease. Therefore, it has been classified as a Variant of Uncertain Significance. Algorithms developed to predict the effect of missense changes on protein structure and function are either unavailable or do not agree on the potential impact of this missense change (SIFT: "Tolerated"; PolyPhen-2: "Probably Damaging"; Align-GVGD: "Class C0"). This variant has not been reported in the literature in individuals with CLN3-related conditions. This variant is present in population databases (rs761065339, ExAC 0.01%). This sequence change replaces proline with leucine at codon 252 of the CLN3 protein (p.Pro252Leu). The proline residue is moderately conserved and there is a moderate physicochemical difference between proline and leucine.

NM_001042432.2(CLN3):c.755C>T (p.Pro252Leu)

Gene: CLN3 (CLN3 lysosomal/endosomal transmembrane protein, battenin; minus strand). Cytogenetic location: 16p12.1.
Variant type: single nucleotide variant.
Coding change: c.755C>T on transcript NM_001042432.2 (MANE Select); coding-DNA position 755, C replaced by T.
Protein change: p.Pro252Leu; replaces proline 252 with leucine.
Molecular consequence: missense variant.
Genome position (GRCh38, 1-based): chr16:28,484,041, G>A on the plus strand (C>T on the coding strand, the complement: CLN3 is on the minus strand). VCF-style: chr16-28484041-G-A. GRCh37 (hg19) VCF-style: chr16-28495362-G-A.
Other names: c.755C>T, p.Pro252Leu (NM_000086.2); c.683C>T, p.Pro228Leu (NM_001286104.2); c.455C>T, p.Pro152Leu (NM_001286105.2); c.521C>T, p.Pro174Leu (NM_001286109.2); c.593C>T, p.Pro198Leu (NM_001286110.2); short protein forms P252L, P198L, P228L, P152L, P174L.
Identifiers: ClinVar variation 1486090 (VCV001486090.8), dbSNP rs761065339, ClinGen allele CA7980834.